The following is an entry in ClinVar:

ClinVar aggregate classification (germline): Pathogenic (1 of 4 stars; one submission).

Conditions:
Fanconi anemia complementation group O. Also called: RAD51C-Related Fanconi Anemia. Identifiers: Orphanet 84, MedGen C3150653, MONDO:0013248, OMIM 613390.

Submission:

Labcorp Genetics (formerly Invitae), Labcorp
Classification: Pathogenic for Fanconi anemia complementation group O. Last evaluated: 2016-09-03. Review status: criteria provided, single submitter. Criteria: Invitae Variant Classification Sherloc (09022015). Collection method: clinical testing. Allele origin: germline.
Comment: This variant is a gross deletion of the genomic region encompassing exon 4 of the RAD51C gene. This creates a premature translational stop signal and is expected to result in an absent or disrupted protein product. While this particular deletion has not been reported in the literature, truncating variants in RAD51C are known to be pathogenic (PMID: 20400964, 21990120, 24800917). For these reasons, this variant has been classified as Pathogenic.

NM_058216.2(RAD51C):c.572-?_705+?del

Genes: RAD51C (RAD51 paralog C; plus strand), LOC129390903 (MPRA-validated peak2919 silencer; plus strand). Cytogenetic location: 17q22.
Variant type: Deletion.
Coding change: c.572-?_705+?del on transcript NM_058216.2.
Identifiers: ClinVar variation 241772 (VCV000241772.1).